The following is an entry in ClinVar:

NM_053274.3(GLMN):c.632+1G>A

Gene: GLMN (glomulin, FKBP associated protein; minus strand). Cytogenetic location: 1p22.1.
Variant type: single nucleotide variant.
Coding change: c.632+1G>A on transcript NM_053274.3 (MANE Select); the canonical splice donor site of the intron after coding-DNA position 632, G replaced by A.
Molecular consequence: splice donor variant.
Genome position (GRCh38, 1-based): chr1:92,288,913, C>T on the plus strand (G>A on the coding strand, the complement: GLMN is on the minus strand). VCF-style: chr1-92288913-C-T. GRCh37 (hg19) VCF-style: chr1-92754470-C-T.
Other names: c.632+1G>A (NM_001319683.2).
Identifiers: ClinVar variation 1066531 (VCV001066531.7), dbSNP rs754288444, ClinGen allele CA341088311.
Genomic context (GRCh38, chr1:92,288,913, plus strand): 5'-AAAATAACTGAACTATCAATTACTTAAGTCCACTGTGAGATGTTCTTAAAATTATACTTA[C>T]AATTTCAGTAATTCATCCTTTAACTTTTCATTTTCCAGTGAGTTTTCTTTGTTATCAATG-3'

ClinVar aggregate classification (germline): Likely pathogenic (1 of 4 stars; one submission).

Submission:

Labcorp Genetics (formerly Invitae), Labcorp
Classification: Likely pathogenic. Last evaluated: 2020-09-10. Review status: criteria provided, single submitter. Criteria: Invitae Variant Classification Sherloc (09022015). Collection method: clinical testing. Allele origin: germline.
Comment: In summary, the currently available evidence indicates that the variant is pathogenic, but additional data are needed to prove that conclusively. Therefore, this variant has been classified as Likely Pathogenic. Donor and acceptor splice site variants typically lead to a loss of protein function (PMID: 16199547), and loss-of-function variants in GLMN are known to be pathogenic (PMID: 23801931). This variant has not been reported in the literature in individuals with GLMN-related conditions. This variant is not present in population databases (ExAC no frequency). This sequence change affects a donor splice site in intron 6 of the GLMN gene. It is expected to disrupt RNA splicing and likely results in an absent or disrupted protein product.

Literature cited by the submitters: PubMed 16199547; PubMed 23801931.